The following is an entry in ClinVar:

NM_206926.2(SELENON):c.773T>A (p.Ile258Asn)

Gene: SELENON (selenoprotein N; plus strand). Cytogenetic location: 1p36.11.
Variant type: single nucleotide variant.
Coding change: c.773T>A on transcript NM_206926.2 (MANE Select); coding-DNA position 773, T replaced by A.
Protein change: p.Ile258Asn; replaces isoleucine 258 with asparagine.
Molecular consequence: missense variant.
Genome position (GRCh38, 1-based): chr1:25,809,685, T>A. VCF-style: chr1-25809685-T-A. GRCh37 (hg19) VCF-style: chr1-26136176-T-A.
Other names: c.875T>A, p.Ile292Asn (NM_020451.3); short protein forms I258N, I292N.
Identifiers: ClinVar variation 1015032 (VCV001015032.7), dbSNP rs2047941221, ClinGen allele CA339114426.

ClinVar aggregate classification (germline): Uncertain significance (1 of 4 stars; one submission).

Conditions:
Eichsfeld type congenital muscular dystrophy (CMYO3). Also called: Rigid spine muscular dystrophy 1; MYOPATHY, SEPN1-RELATED; SELENON-related myopathy; Congenital myopathy 3 with rigid spine. Identifiers: MedGen C0410180, MONDO:0100100, OMIM 602771.

Allele frequency attached by ClinVar (database versions not stated): gnomAD exomes below 0.00001; TOPMed below 0.00001.
gnomAD v4.1: 4 of 1,613,850 alleles (0.00025%); highest among the groups gnomAD compares: Non-Finnish European, 0.00034%; no homozygotes.

Submission:

Labcorp Genetics (formerly Invitae), Labcorp
Classification: Uncertain significance for Eichsfeld type congenital muscular dystrophy. Last evaluated: 2020-09-18. Review status: criteria provided, single submitter. Criteria: Invitae Variant Classification Sherloc (09022015). Collection method: clinical testing. Allele origin: germline.
Comment: In summary, the available evidence is currently insufficient to determine the role of this variant in disease. Therefore, it has been classified as a Variant of Uncertain Significance. Algorithms developed to predict the effect of missense changes on protein structure and function are either unavailable or do not agree on the potential impact of this missense change (SIFT: "Deleterious"; PolyPhen-2: "Probably Damaging"; Align-GVGD: "Class C0"). This variant has been observed in individual(s) with clinical features of SELENON-related conditions (Invitae). In at least one individual the data is consistent with the variant being in trans (on the opposite chromosome) from a pathogenic variant. This variant is not present in population databases (ExAC no frequency). This sequence change replaces isoleucine with asparagine at codon 292 of the SELENON protein (p.Ile292Asn). The isoleucine residue is highly conserved and there is a large physicochemical difference between isoleucine and asparagine.